The following is an entry in ClinVar:

NM_006031.6(PCNT):c.9594G>A (p.Thr3198=)

Gene: PCNT (pericentrin; plus strand). Cytogenetic location: 21q22.3.
Variant type: single nucleotide variant.
Coding change: c.9594G>A on transcript NM_006031.6 (MANE Select); coding-DNA position 9594, G replaced by A.
Protein change: p.Thr3198=; no amino-acid change (threonine 3198 retained).
Molecular consequence: synonymous variant.
Genome position (GRCh38, 1-based): chr21:46,441,055, G>A. VCF-style: chr21-46441055-G-A. GRCh37 (hg19) VCF-style: chr21-47860968-G-A.
Other names: c.9003G>A, p.Thr3001= (NM_001315529.2); c.9594G>A (NM_006031.5).
Identifiers: ClinVar variation 197490 (VCV000197490.13), dbSNP rs143776463, ClinGen allele CA245672.

ClinVar aggregate classification (germline): Conflicting classifications of pathogenicity. Review status: criteria provided, conflicting classifications (1 of 4 stars). 4 submissions from 4 submitters: Uncertain significance (1); Likely benign (2). 1 of the submissions does not count toward it. Last evaluated 2026-05-01.

Conditions:
PCNT-related disorder. Also called: PCNT-related condition.

Allele frequency attached by ClinVar (database versions not stated): ExAC 0.00007; gnomAD 0.00042 and 0.00046; ESP Exome Variant Server 0.00062; TOPMed 0.00072.
gnomAD v4.1: 125 of 1,613,676 alleles (0.0077%); highest among the groups gnomAD compares: African/African-American, 0.13%; no homozygotes.

Submissions (4):

CeGaT Center for Human Genetics Tuebingen
Classification: Likely benign. Last evaluated: 2026-05-01. Review status: criteria provided, single submitter. Criteria: CeGaT Center For Human Genetics Tuebingen Variant Classification Criteria Version 2. Collection method: clinical testing. Allele origin: germline. Affected: yes. Observed: 1 variant allele.
Comment: PCNT: BP4, BP7

Labcorp Genetics (formerly Invitae), Labcorp
Classification: Likely benign. Last evaluated: 2025-11-27. Review status: criteria provided, single submitter. Criteria: Invitae Variant Classification Sherloc (09022015). Collection method: clinical testing. Allele origin: germline.

Eurofins Ntd Llc (ga)
Classification: Uncertain significance. Last evaluated: 2015-05-05. Review status: criteria provided, single submitter. Criteria: EGL Classification Definitions 2015. Collection method: clinical testing. Allele origin: germline. Observed: 1 variant allele, 1 heterozygote.

PreventionGenetics, part of Exact Sciences
Classification: Likely benign for PCNT-related condition. Last evaluated: 2021-07-19. Review status: no assertion criteria provided. Collection method: clinical testing. Allele origin: germline. Not counted in ClinVar's aggregate classification.
Comment: This variant is classified as likely benign based on ACMG/AMP sequence variant interpretation guidelines (Richards et al. 2015 PMID: 25741868, with internal and published modifications).